The following is an entry in ClinVar:

ClinVar aggregate classification (germline): Uncertain significance (1 of 4 stars; one submission).

Conditions:
Hajdu-Cheney syndrome (HJCYS). Also called: ACROOSTEOLYSIS WITH OSTEOPOROSIS AND CHANGES IN SKULL AND MANDIBLE; Acroosteolysis dominant type; SERPENTINE FIBULA-POLYCYSTIC KIDNEY SYNDROME. Identifiers: Orphanet 955, MedGen C0917715, MONDO:0007057, OMIM 102500.

Submission:

Labcorp Genetics (formerly Invitae), Labcorp
Classification: Uncertain significance for Hajdu-Cheney syndrome. Last evaluated: 2024-09-18. Review status: criteria provided, single submitter. Criteria: Invitae Variant Classification Sherloc (09022015). Collection method: clinical testing. Allele origin: germline.
Comment: This sequence change replaces valine, which is neutral and non-polar, with isoleucine, which is neutral and non-polar, at codon 626 of the NOTCH2 protein (p.Val626Ile). This variant is not present in population databases (gnomAD no frequency). This variant has not been reported in the literature in individuals affected with NOTCH2-related conditions. Invitae Evidence Modeling of protein sequence and biophysical properties (such as structural, functional, and spatial information, amino acid conservation, physicochemical variation, residue mobility, and thermodynamic stability) indicates that this missense variant is not expected to disrupt NOTCH2 protein function with a negative predictive value of 80%. In summary, the available evidence is currently insufficient to determine the role of this variant in disease. Therefore, it has been classified as a Variant of Uncertain Significance.

NM_024408.4(NOTCH2):c.1876G>A (p.Val626Ile)

Gene: NOTCH2 (notch receptor 2; minus strand). Cytogenetic location: 1p12.
Variant type: single nucleotide variant.
Coding change: c.1876G>A on transcript NM_024408.4 (MANE Select); coding-DNA position 1876, G replaced by A.
Protein change: p.Val626Ile; replaces valine 626 with isoleucine.
Molecular consequence: missense variant.
Genome position (GRCh38, 1-based): chr1:119,963,613, C>T on the plus strand (G>A on the coding strand, the complement: NOTCH2 is on the minus strand). VCF-style: chr1-119963613-C-T. GRCh37 (hg19) VCF-style: chr1-120506236-C-T.
Other names: c.1876G>A, p.Val626Ile (NM_001200001.2); short protein forms V626I.
Identifiers: ClinVar variation 3685138 (VCV003685138.2).
Genomic context (GRCh38, chr1:119,963,613, plus strand): 5'-ACATAAACAGAGTGGGCTTACCTGACGTGCCTGGCTGGCAGTTGCACTGGTAGCCATTGA[C>T]CAGGTCAATGCAGCGACCATCGTTCAGGCAAGGGCTGCTGTAACATTCATCAATCTGGTC-3'
Protein context (NP_077719.2, residues 616-636): CLNDGRCIDL[Val626Ile]NGYQCNCQPG